The following is an entry in ClinVar:

NM_004260.4(RECQL4):c.665C>G (p.Pro222Arg)

Gene: RECQL4 (RecQ like helicase 4; minus strand). Cytogenetic location: 8q24.3.
Variant type: single nucleotide variant.
Coding change: c.665C>G on transcript NM_004260.4 (MANE Select); coding-DNA position 665, C replaced by G.
Protein change: p.Pro222Arg; replaces proline 222 with arginine.
Molecular consequence: missense variant. On other transcripts: 5 prime UTR variant (15), non-coding transcript variant (3), intron variant (3).
Genome position (GRCh38, 1-based): chr8:144,516,454, G>C on the plus strand (C>G on the coding strand, the complement: RECQL4 is on the minus strand). VCF-style: chr8-144516454-G-C. GRCh37 (hg19) VCF-style: chr8-145741838-G-C.
Other names: c.665C>G, p.Pro222Arg (NM_001413017.1, NM_001413018.1, NM_001413019.1 and 4 more transcripts); c.-407C>G (NM_001413022.1, NM_001413023.1, NM_001413024.1 and 5 more transcripts); c.536C>G, p.Pro179Arg (NM_001413025.1); c.-469C>G (NM_001413027.1, NM_001413030.1, NM_001413031.1 and 2 more transcripts); c.-311C>G (NM_001413034.1); c.-676C>G (NM_001413043.1); c.355-41C>G (NM_001413029.1); c.-366-41C>G (NM_001413021.1, NM_001413028.1); and 1 more; short protein forms P222R, P179R.
Identifiers: ClinVar variation 2810196 (VCV002810196.4), dbSNP rs1452356265, ClinGen allele CA372689819.

ClinVar aggregate classification (germline): Uncertain significance. Review status: criteria provided, multiple submitters, no conflicts (2 of 4 stars). 2 submissions from 2 submitters: Uncertain significance (2). Last evaluated 2025-05-07.

Conditions:
Baller-Gerold syndrome (BGS). Also called: CRANIOSYNOSTOSIS WITH RADIAL DEFECTS. Identifiers: Orphanet 1225, MedGen C0265308, MONDO:0009039, OMIM 218600.
Inborn genetic diseases. Identifiers: MedGen C0950123, MeSH D030342.

Allele frequency attached by ClinVar (database versions not stated): TOPMed below 0.00001.
gnomAD v4.1: 1 of 1,608,638 alleles (0.000062%); highest among the groups gnomAD compares: Non-Finnish European, 0.000085%; no homozygotes.

Submissions (2):

Ambry Genetics
Classification: Uncertain significance for Inborn genetic diseases. Last evaluated: 2025-05-07. Review status: criteria provided, single submitter. Criteria: Ambry Variant Classification Scheme 2023. Collection method: clinical testing. Allele origin: germline.
Comment: The p.P222R variant (also known as c.665C>G), located in coding exon 5 of the RECQL4 gene, results from a C to G substitution at nucleotide position 665. The proline at codon 222 is replaced by arginine, an amino acid with dissimilar properties. This amino acid position is conserved. In addition, this alteration is predicted to be tolerated by in silico analysis. Based on the available evidence, the clinical significance of this variant remains unclear.

Labcorp Genetics (formerly Invitae), Labcorp
Classification: Uncertain significance for Baller-Gerold syndrome. Last evaluated: 2023-02-24. Review status: criteria provided, single submitter. Criteria: Invitae Variant Classification Sherloc (09022015). Collection method: clinical testing. Allele origin: germline.
Comment: In summary, the available evidence is currently insufficient to determine the role of this variant in disease. Therefore, it has been classified as a Variant of Uncertain Significance. Advanced modeling of protein sequence and biophysical properties (such as structural, functional, and spatial information, amino acid conservation, physicochemical variation, residue mobility, and thermodynamic stability) performed at Invitae indicates that this missense variant is not expected to disrupt RECQL4 protein function. This variant has not been reported in the literature in individuals affected with RECQL4-related conditions. This variant is not present in population databases (gnomAD no frequency). This sequence change replaces proline, which is neutral and non-polar, with arginine, which is basic and polar, at codon 222 of the RECQL4 protein (p.Pro222Arg).